The following is an entry in ClinVar:

ClinVar aggregate classification (germline): Pathogenic/Likely pathogenic. Review status: criteria provided, multiple submitters, no conflicts (2 of 4 stars). 2 submissions from 2 submitters: Pathogenic (1); Likely pathogenic (1). Last evaluated 2023-02-04.

Conditions:
Isolated thoracic aortic aneurysm.
Marfan syndrome (MFS). Also called: FBN1-Related Marfan Syndrome; MARFAN SYNDROME, TYPE I; Marfan syndrome type 1; Marfan's syndrome; Marfan syndrome, classic. Identifiers: Orphanet 284963, Orphanet 558, MedGen C0024796, MONDO:0007947, OMIM 154700.
Familial thoracic aortic aneurysm and aortic dissection (TAAD). Also called: Thoracic aortic aneurysms and dissections. Identifiers: Orphanet 91387, MedGen C4707243, MONDO:0019625.

Submissions (2):

Labcorp Genetics (formerly Invitae), Labcorp
Classification: Pathogenic for Marfan syndrome; Familial thoracic aortic aneurysm and aortic dissection. Last evaluated: 2023-02-04. Review status: criteria provided, single submitter. Criteria: Invitae Variant Classification Sherloc (09022015). Collection method: clinical testing. Allele origin: germline.
Comment: This sequence change replaces cysteine, which is neutral and slightly polar, with phenylalanine, which is neutral and non-polar, at codon 1491 of the FBN1 protein (p.Cys1491Phe). This variant is not present in population databases (gnomAD no frequency). This missense change has been observed in individuals with isolated thoracic aortic aneurysm and dissection and/or Marfan syndrome (PMID: 22005308, 33059708, 33824467). ClinVar contains an entry for this variant (Variation ID: 982319). Advanced modeling of protein sequence and biophysical properties (such as structural, functional, and spatial information, amino acid conservation, physicochemical variation, residue mobility, and thermodynamic stability) performed at Invitae indicates that this missense variant is expected to disrupt FBN1 protein function. This variant affects a cysteine residue in the EGF-like, TGFBP or hybrid motif domains of FBN1. Cysteine residues are believed to be involved in intramolecular disulfide bridges and have been shown to be important for FBN1 protein structure (PMID: 16905551, 19349279). In addition, missense substitutions affecting cysteine residues within these domains are significantly overrepresented among patients with Marfan syndrome (PMID: 16571647, 17701892). For these reasons, this variant has been classified as Pathogenic.

Department of Vascular Biology, Beijing Anzhen Hospital
Classification: Likely pathogenic for Isolated thoracic aortic aneurysm. Last evaluated: 2018-09-01. Review status: criteria provided, single submitter. Criteria: ACMG Guidelines, 2015. Collection method: research. Allele origin: germline. Affected: yes.

Literature cited by the submitters: PubMed 22005308 (cited by Labcorp Genetics (formerly Invitae), Labcorp); PubMed 33059708 (cited by Labcorp Genetics (formerly Invitae), Labcorp); PubMed 33824467 (cited by Labcorp Genetics (formerly Invitae), Labcorp); PubMed 16905551 (cited by Labcorp Genetics (formerly Invitae), Labcorp); PubMed 19349279 (cited by Labcorp Genetics (formerly Invitae), Labcorp); PubMed 16571647 (cited by Labcorp Genetics (formerly Invitae), Labcorp); PubMed 17701892 (cited by Labcorp Genetics (formerly Invitae), Labcorp).

NM_000138.5(FBN1):c.4472G>T (p.Cys1491Phe)

Gene: FBN1 (fibrillin 1; minus strand). Cytogenetic location: 15q21.1.
Variant type: single nucleotide variant.
Coding change: c.4472G>T on transcript NM_000138.5 (MANE Select); coding-DNA position 4472, G replaced by T.
Protein change: p.Cys1491Phe; replaces cysteine 1491 with phenylalanine.
Molecular consequence: missense variant.
Genome position (GRCh38, 1-based): chr15:48,468,522, C>A on the plus strand (G>T on the coding strand, the complement: FBN1 is on the minus strand). VCF-style: chr15-48468522-C-A. GRCh37 (hg19) VCF-style: chr15-48760719-C-A.
Other names: short protein forms C1491F.
Identifiers: ClinVar variation 982319 (VCV000982319.5), dbSNP rs2141273076, ClinGen allele CA392353806.